The following is an entry in ClinVar:

NM_000702.4(ATP1A2):c.495+9G>T

Gene: ATP1A2 (ATPase Na+/K+ transporting subunit alpha 2; plus strand). Cytogenetic location: 1q23.2.
Variant type: single nucleotide variant.
Coding change: c.495+9G>T on transcript NM_000702.4 (MANE Select); 9 bases into the intron after coding-DNA position 495, G replaced by T.
Molecular consequence: intron variant.
Genome position (GRCh38, 1-based): chr1:160,124,065, G>T. VCF-style: chr1-160124065-G-T. GRCh37 (hg19) VCF-style: chr1-160093855-G-T.
Identifiers: ClinVar variation 386874 (VCV000386874.8), dbSNP rs1057522630, ClinGen allele CA16603483.

ClinVar aggregate classification (germline): Likely benign. Review status: criteria provided, multiple submitters, no conflicts (2 of 4 stars). 2 submissions from 2 submitters: Likely benign (2). Last evaluated 2024-12-03.

Conditions:
Familial hemiplegic migraine. Identifiers: MedGen C0338484, MONDO:0000700.

Allele frequency attached by ClinVar (database versions not stated): gnomAD exomes below 0.00001 and 0.00001; TOPMed 0.00001.
gnomAD v4.1: 2 of 1,613,532 alleles (0.00012%); highest among the groups gnomAD compares: Admixed American, 0.0017%; no homozygotes.

Submissions (2):

Labcorp Genetics (formerly Invitae), Labcorp
Classification: Likely benign for Familial hemiplegic migraine. Last evaluated: 2024-12-03. Review status: criteria provided, single submitter. Criteria: Invitae Variant Classification Sherloc (09022015). Collection method: clinical testing. Allele origin: germline.

GeneDx
Classification: Likely benign. Last evaluated: 2016-06-17. Review status: criteria provided, single submitter. Criteria: GeneDx Variant Classification (06012015). Collection method: clinical testing. Allele origin: germline. Affected: yes.
Comment: This variant is considered likely benign or benign based on one or more of the following criteria: it is a conservative change, it occurs at a poorly conserved position in the protein, it is predicted to be benign by multiple in silico algorithms, and/or has population frequency not consistent with disease.